The following is an entry in ClinVar:

NM_001256317.3(TMPRSS3):c.757A>G (p.Ile253Val)

Gene: TMPRSS3 (transmembrane serine protease 3; minus strand). Cytogenetic location: 21q22.3.
Variant type: single nucleotide variant.
Coding change: c.757A>G on transcript NM_001256317.3 (MANE Select); coding-DNA position 757, A replaced by G.
Protein change: p.Ile253Val; replaces isoleucine 253 with valine.
Molecular consequence: missense variant.
Genome position (GRCh38, 1-based): chr21:42,383,058, T>C on the plus strand (A>G on the coding strand, the complement: TMPRSS3 is on the minus strand). VCF-style: chr21-42383058-T-C. GRCh37 (hg19) VCF-style: chr21-43803167-T-C.
Other names: c.757A>G, p.Ile253Val (NM_024022.4, NM_032405.2); c.376A>G, p.Ile126Val (NM_032404.3); c.757A>G (NM_024022.3); short protein forms I253V, I126V.
Identifiers: ClinVar variation 46129 (VCV000046129.23), dbSNP rs2839500, ClinGen allele CA137725.

ClinVar aggregate classification (germline): Benign/Likely benign. Review status: criteria provided, multiple submitters, no conflicts (2 of 4 stars). 9 submissions from 9 submitters: Benign (8); Likely benign (1). Last evaluated 2026-06-08.

Conditions:
Autosomal recessive nonsyndromic hearing loss 8 (DFNB8). Also called: NEUROSENSORY NONSYNDROMIC RECESSIVE DEAFNESS 8; Deafness, autosomal recessive 10. Identifiers: Orphanet 90636, MedGen C1832827, MONDO:0010987, OMIM 601072.

Allele frequency attached by ClinVar (database versions not stated): gnomAD 0.16545 and 0.16949; gnomAD exomes 0.15648; ExAC 0.16268; 1000 Genomes Project 30x 0.23704; ESP Exome Variant Server 0.16016; TOPMed 0.17717; 1000 Genomes Project 0.24121.
gnomAD v4.1: 210,542 of 1,613,874 alleles (13%); highest among the groups gnomAD compares: East Asian, 33%; 16,820 homozygotes.

Submissions (9):

Women's Health and Genetics/Laboratory Corporation of America, LabCorp
Classification: Likely benign. Last evaluated: 2026-06-08. Review status: criteria provided, single submitter. Criteria: LabCorp Variant Classification Summary - May 2015. Collection method: clinical testing. Allele origin: germline.

Labcorp Genetics (formerly Invitae), Labcorp
Classification: Benign. Last evaluated: 2026-02-04. Review status: criteria provided, single submitter. Criteria: Invitae Variant Classification Sherloc (09022015). Collection method: clinical testing. Allele origin: germline.

Genome-Nilou Lab
Classification: Benign for Autosomal recessive nonsyndromic hearing loss 8. Last evaluated: 2021-09-10. Review status: criteria provided, single submitter. Criteria: ACMG Guidelines, 2015. Collection method: clinical testing. Allele origin: germline. Affected: no.

Mayo Clinic Laboratories, Mayo Clinic
Classification: Benign. Last evaluated: 2020-10-02. Review status: criteria provided, single submitter. Criteria: ACMG Guidelines, 2015. Collection method: clinical testing. Allele origin: germline. Observed: 44 variant alleles.

Illumina Laboratory Services, Illumina
Classification: Benign for Autosomal recessive nonsyndromic hearing loss 8. Last evaluated: 2018-01-13. Review status: criteria provided, single submitter. Criteria: ICSL Variant Classification Criteria 13 December 2019. Collection method: clinical testing. Allele origin: germline.
Comment: This variant was observed in the ICSL laboratory as part of a predisposition screen in an ostensibly healthy population. It had not been previously curated by ICSL or reported in the Human Gene Mutation Database (HGMD: prior to June 1st, 2018), and was therefore a candidate for classification through an automated scoring system. Utilizing variant allele frequency, disease prevalence and penetrance estimates, and inheritance mode, an automated score was calculated to assess if this variant is too frequent to cause the disease. Based on the score and internal cut-off values, a variant classified as benign is not then subjected to further curation. The score for this variant resulted in a classification of benign for this disease.

GeneDx
Classification: Benign. Last evaluated: 2017-05-09. Review status: criteria provided, single submitter. Criteria: GeneDx Variant Classification (06012015). Collection method: clinical testing. Allele origin: germline. Affected: yes.
Comment: This variant is considered likely benign or benign based on one or more of the following criteria: it is a conservative change, it occurs at a poorly conserved position in the protein, it is predicted to be benign by multiple in silico algorithms, and/or has population frequency not consistent with disease.

Laboratory for Molecular Medicine, Mass General Brigham Personalized Medicine
Classification: Benign. Last evaluated: 2007-02-16. Review status: criteria provided, single submitter. Criteria: LMM Criteria. Collection method: clinical testing. Allele origin: germline. Observed: 559 variant alleles.

Breakthrough Genomics
Classification: Benign. Review status: criteria provided, single submitter. Criteria: ACMG Guidelines, 2015. Collection method: not provided. Allele origin: germline. Inheritance: Autosomal recessive inheritance. Affected: yes.

PreventionGenetics, part of Exact Sciences
Classification: Benign. Review status: criteria provided, single submitter. Criteria: ACMG Guidelines, 2015. Collection method: clinical testing. Allele origin: germline.

Literature cited by the submitters: PubMed 12920079 (cited by Laboratory for Molecular Medicine, Mass General Brigham Personalized Medicine).